The following is an entry in ClinVar:

NM_001378418.1(TCF20):c.1831G>A (p.Glu611Lys)

Gene: TCF20 (transcription factor 20; minus strand). Cytogenetic location: 22q13.2.
Variant type: single nucleotide variant.
Coding change: c.1831G>A on transcript NM_001378418.1 (MANE Select); coding-DNA position 1831, G replaced by A.
Protein change: p.Glu611Lys; replaces glutamic acid 611 with lysine.
Molecular consequence: missense variant.
Genome position (GRCh38, 1-based): chr22:42,213,475, C>T on the plus strand (G>A on the coding strand, the complement: TCF20 is on the minus strand). VCF-style: chr22-42213475-C-T. GRCh37 (hg19) VCF-style: chr22-42609481-C-T.
Other names: c.1831G>A, p.Glu611Lys (NM_005650.4, NM_181492.3); short protein forms E611K.
Identifiers: ClinVar variation 3767472 (VCV003767472.1).

ClinVar aggregate classification (germline): Uncertain significance (1 of 4 stars; one submission).

gnomAD v4.1: 1 of 1,614,164 alleles (0.000062%); highest among the groups gnomAD compares: Non-Finnish European, 0.000085%; no homozygotes.

Submission:

GeneDx
Classification: Uncertain significance. Last evaluated: 2024-09-06. Review status: criteria provided, single submitter. Criteria: GeneDx Variant Classification Process June 2021. Collection method: clinical testing. Allele origin: germline. Affected: yes.
Comment: Not observed at significant frequency in large population cohorts (gnomAD); In silico analysis indicates that this missense variant does not alter protein structure/function; Has not been previously published as pathogenic or benign to our knowledge